The following is an entry in ClinVar:

ClinVar aggregate classification (germline): Uncertain significance (1 of 4 stars; one submission).

gnomAD v4.1: 2 of 1,610,984 alleles (0.00012%); highest among the groups gnomAD compares: Non-Finnish European, 0.00017%; no homozygotes.

Submission:

Clinical Genomics Laboratory, Washington University in St. Louis
Classification: Uncertain significance. Last evaluated: 2025-12-29. Review status: criteria provided, single submitter. Criteria: ACMG Guidelines, 2015. Collection method: clinical testing. Allele origin: germline.
Comment: The KLB c.2784T>G (p.Tyr928*) variant, to our knowledge, has not been reported in the medical literature. This variant is absent from the general population (gnomAD v.2.1.1), indicating it is not a common variant. This variant leads to a premature termination codon, which is not predicted to lead to nonsense mediated decay. Due to limited information, the clinical significance of this variant is uncertain.

NM_175737.4(KLB):c.2784T>G (p.Tyr928Ter)

Gene: KLB (klotho beta; plus strand). Cytogenetic location: 4p14.
Variant type: single nucleotide variant.
Coding change: c.2784T>G on transcript NM_175737.4 (MANE Select); coding-DNA position 2784, T replaced by G.
Protein change: p.Tyr928Ter; replaces tyrosine 928 with a stop codon.
Molecular consequence: nonsense.
Genome position (GRCh38, 1-based): chr4:39,448,335, T>G. VCF-style: chr4-39448335-T-G. GRCh37 (hg19) VCF-style: chr4-39449955-T-G.
Other names: short protein forms Y928*.
Identifiers: ClinVar variation 4879201 (VCV004879201.1).
Genomic context (GRCh38, chr4:39,448,335, plus strand): 5'-TAATGTTAATTTCTTATCTTTTTCAGCATACCTGATTGATAAAGTCAGAATCAAAGGCTA[T>G]TATGCATTCAAACTGGCTGAAGAGAAATCTAAACCCAGATTTGGATTCTTCACATCTGAT-3'